The following is an entry in ClinVar:

ClinVar aggregate classification (germline): Uncertain significance (1 of 4 stars; one submission).

Conditions:
Simpson-Golabi-Behmel syndrome type 1 (SGBS1). Also called: BULLDOG SYNDROME; GPC3-Related Simpson-Golabi-Behmel Syndrome Type 1; SIMPSON DYSMORPHIA SYNDROME; DYSPLASIA GIGANTISM SYNDROME, X-LINKED; GOLABI-ROSEN SYNDROME. Identifiers: Orphanet 373, MedGen C0796154, MONDO:0020602, OMIM 312870.

Submission:

MGZ Medical Genetics Center
Classification: Uncertain significance for Simpson-Golabi-Behmel syndrome type 1. Last evaluated: 2022-03-24. Review status: criteria provided, single submitter. Criteria: ACMG Guidelines, 2015. Collection method: clinical testing. Allele origin: germline. Affected: yes. Observed: 2 variant alleles.
Comment: ACMG criteria applied: PM4, PM2_SUP

NM_004484.4(GPC3):c.1736_1737del (p.Val579fs)

Gene: GPC3 (glypican 3; minus strand). Cytogenetic location: Xq26.2.
Variant type: Deletion.
Coding change: c.1736_1737del on transcript NM_004484.4 (MANE Select); coding-DNA positions 1736 to 1737, 2 bases deleted (TG; older notation c.1736_1737delTG).
Protein change: p.Val579fs; shifts the reading frame from valine 579.
Molecular consequence: frameshift variant.
Genome position (GRCh38, 1-based): chrX:133,536,130-133,536,131, CA deleted on the plus strand (TG on the coding strand, the reverse complement: GPC3 is on the minus strand); deleting any 2 consecutive bases within chrX:133,536,130-133,536,132 gives the same sequence; the c. name uses the placement nearest the transcript's 3' end. VCF-style (leftmost placement, unchanged base first): chrX-133536129-GCA-G. GRCh37 (hg19) VCF-style: chrX-132670157-GCA-G.
Other names: c.1805_1806del, p.Val602fs (NM_001164617.2); c.1688_1689del, p.Val563fs (NM_001164618.2); c.1574_1575del, p.Val525fs (NM_001164619.2); short protein forms V525fs, V563fs, V579fs, V602fs.
Identifiers: ClinVar variation 1709306 (VCV001709306.2), dbSNP rs2520461777, ClinGen allele CA2580101527.